The following is an entry in ClinVar:

ClinVar aggregate classification (germline): Likely benign. Review status: criteria provided, multiple submitters, no conflicts (2 of 4 stars). 4 submissions from 4 submitters: Likely benign (4). Last evaluated 2025-11-26.

Conditions:
TTN-related disorder. Also called: TTN-related disorders; TTN-related condition; TTN-related disease.
Cardiovascular phenotype. Identifiers: MedGen CN230736.
Dilated cardiomyopathy 1G (CMD1G). Identifiers: Orphanet 154, MedGen C1858763, MONDO:0011400, OMIM 604145.
Autosomal recessive limb-girdle muscular dystrophy type 2J (LGMDR10). Also called: Limb-girdle muscular dystrophy, type 2J; MUSCULAR DYSTROPHY, LIMB-GIRDLE, AUTOSOMAL RECESSIVE 10. Identifiers: Orphanet 140922, MedGen C1837342, MONDO:0012127, OMIM 608807.

Allele frequency attached by ClinVar (database versions not stated): gnomAD exomes below 0.00001; gnomAD 0.00002; TOPMed 0.00005; ESP Exome Variant Server 0.00008.
gnomAD v4.1: 8 of 1,612,366 alleles (0.0005%); highest among the groups gnomAD compares: African/African-American, 0.011%; no homozygotes.

Submissions (4):

Labcorp Genetics (formerly Invitae), Labcorp
Classification: Likely benign for Dilated cardiomyopathy 1G; Autosomal recessive limb-girdle muscular dystrophy type 2J. Last evaluated: 2025-11-26. Review status: criteria provided, single submitter. Criteria: Invitae Variant Classification Sherloc (09022015). Collection method: clinical testing. Allele origin: germline.

PreventionGenetics, part of Exact Sciences
Classification: Likely benign for TTN-related condition. Last evaluated: 2025-07-24. Review status: criteria provided, single submitter. Criteria: ACMG Guidelines, 2015. Collection method: clinical testing. Allele origin: germline.
Comment: This variant is classified as likely benign based on ACMG/AMP sequence variant interpretation guidelines (Richards et al. 2015 PMID: 25741868, with internal and published modifications).

Ambry Genetics
Classification: Likely benign for Cardiovascular phenotype. Last evaluated: 2021-05-03. Review status: criteria provided, single submitter. Criteria: Ambry Variant Classification Scheme 2023. Collection method: clinical testing. Allele origin: germline.

Laboratory for Molecular Medicine, Mass General Brigham Personalized Medicine
Classification: Likely benign. Last evaluated: 2012-03-19. Review status: criteria provided, single submitter. Criteria: LMM Criteria. Collection method: clinical testing. Allele origin: germline. Observed: 1 variant allele.
Comment: p.Val15858Val in exon 234 of TTN: This variant is not expected to have clinical significance because it does not alter an amino acid residue and is not located within the splice consensus sequence. It has been identified in 1/2932 African A merican chromosomes from a broad population by the NHLBI Exome Sequencing Projec t.

NM_001267550.2(TTN):c.55278T>C (p.Val18426=)

Genes: TTN (titin; minus strand), TTN-AS1 (TTN antisense RNA 1; plus strand). Cytogenetic location: 2q31.2.
Variant type: single nucleotide variant.
Coding change: c.55278T>C on transcript NM_001267550.2 (MANE Select); coding-DNA position 55278, T replaced by C.
Protein change: p.Val18426=; no amino-acid change (valine 18426 retained).
Molecular consequence: synonymous variant.
Genome position (GRCh38, 1-based): chr2:178,601,906, A>G on the plus strand (T>C on the coding strand, the complement: TTN is on the minus strand). VCF-style: chr2-178601906-A-G. GRCh37 (hg19) VCF-style: chr2-179466633-A-G.
Other names: c.47574T>C, p.Val15858= (NM_133378.4); c.50355T>C, p.Val16785= (NM_001256850.1); c.28083T>C, p.Val9361= (NM_003319.4); c.28458T>C, p.Val9486= (NM_133432.3); c.28659T>C, p.Val9553= (NM_133437.4).
Identifiers: ClinVar variation 228108 (VCV000228108.17), dbSNP rs368013796, ClinGen allele CA10576514.
Genomic context (GRCh38, chr2:178,601,906, plus strand): 5'-CCATATTCTGAATTATTTTAATTATTATTTTTTTACCTGTGCATCTTCGGGTATGTCATG[A>G]ACTCCATCCTATTAGAAAAGGAGACAGTCAGTTGTAGTATAAATACTCCTTATAGTGATT-3'
Protein context (NP_001254479.2, residues 18416-18436): GKAKKAMKDG[Val18426=]HDIPEDAQLE